The following is an entry in ClinVar:

ClinVar aggregate classification (germline): Likely pathogenic. Review status: criteria provided, multiple submitters, no conflicts (2 of 4 stars). 3 submissions from 3 submitters: Likely pathogenic (3). Last evaluated 2026-04-14.

Conditions:
Benign recurrent intrahepatic cholestasis type 2 (BRIC2). Also called: Recurrent familial intrahepatic cholestasis 2. Identifiers: Orphanet 65682, Orphanet 99961, MedGen C2608083, MONDO:0011559, OMIM 605479.
Progressive familial intrahepatic cholestasis type 2. Identifiers: Orphanet 79304, MedGen C3489789, MONDO:0011156, OMIM 601847.
Familial intrahepatic cholestasis. Identifiers: Orphanet 284385, MedGen CN296401, MONDO:0017290.

Submissions (3):

Genomenon, Inc
Classification: Likely pathogenic for Familial intrahepatic cholestasis. Last evaluated: 2026-04-14. Review status: criteria provided, single submitter. Criteria: Genomenon Sequence Variant Interpretation Standards - Updated. Collection method: curation. Allele origin: germline. Affected: yes.
Comment: ABCB11 p.Ser901Ile (c.2702G>T) is a missense variant that changes the amino acid at residue 901 from Serine to Isoleucine. This variant has been observed in at least one proband with an ABCB11-related disorder (PMID:35780807;34961929;27050426). The presence of pathogenic or likely pathogenic missense variant(s) at the same amino acid position indicates that this residue is likely important for protein function. It is absent or not present at a significant frequency in gnomAD. In silico models predict that this variant is possibly or probably damaging. In conclusion, we classify ABCB11 p.Ser901Ile (c.2702G>T) as a likely pathogenic variant.

Natera, Inc.
Classification: Likely pathogenic for Progressive familial intrahepatic cholestasis type 2. Last evaluated: 2026-01-14. Review status: criteria provided, single submitter. Criteria: Natera Variant Classification Schema (03/2026). Collection method: clinical testing. Allele origin: germline.
Comment: The c.2702G>T variant in ABCB11 is a missense variant predicted to cause substitution of serine to isoleucine at amino acid 901. This variant is rare in the general population with a frequency below the threshold expected for the associated phenotype(s). This variant has been observed in one or more individuals affected with the associated recessive disease, as either homozygous or compound heterozygous with a second variant (PMID: 34961929, 27050426). A different variant at the same position has been determined to be Pathogenic or Likely Pathogenic. Computational prediction algorithms indicate this variant is likely to affect gene or protein function. Given the available evidence, this variant is classified as Likely Pathogenic.

Baylor Genetics
Classification: Likely pathogenic for Benign recurrent intrahepatic cholestasis type 2. Last evaluated: 2022-12-30. Review status: criteria provided, single submitter. Criteria: ACMG Guidelines, 2015. Collection method: clinical testing. Allele origin: unknown.

Literature cited by the submitters: PubMed 35780807 (cited by Genomenon, Inc); PubMed 34961929 (cited by Genomenon, Inc and Natera, Inc.); PubMed 27050426 (cited by Genomenon, Inc and Natera, Inc.).

NM_003742.4(ABCB11):c.2702G>T (p.Ser901Ile)

Genes: ABCB11 (ATP binding cassette subfamily B member 11; minus strand), LOC126806400 (CDK7 strongly-dependent group 2 enhancer GRCh37_chr2:169791870-169793069; plus strand). Cytogenetic location: 2q31.1.
Variant type: single nucleotide variant.
Coding change: c.2702G>T on transcript NM_003742.4 (MANE Select); coding-DNA position 2702, G replaced by T.
Protein change: p.Ser901Ile; replaces serine 901 with isoleucine.
Molecular consequence: missense variant.
Genome position (GRCh38, 1-based): chr2:168,936,342, C>A on the plus strand (G>T on the coding strand, the complement: ABCB11 is on the minus strand). VCF-style: chr2-168936342-C-A. GRCh37 (hg19) VCF-style: chr2-169792852-C-A.
Other names: short protein forms S901I.
Identifiers: ClinVar variation 2680951 (VCV002680951.3), dbSNP rs2545271850, ClinGen allele CA349124705.